The following is an entry in ClinVar:

NM_001253697.2(ERBIN):c.1073A>T (p.Glu358Val)

Gene: ERBIN (erbb2 interacting protein; plus strand). Cytogenetic location: 5q12.3.
Variant type: single nucleotide variant.
Coding change: c.1073A>T on transcript NM_001253697.2 (MANE Select); coding-DNA position 1073, A replaced by T.
Protein change: p.Glu358Val; replaces glutamic acid 358 with valine.
Molecular consequence: missense variant.
Genome position (GRCh38, 1-based): chr5:66,026,354, A>T. VCF-style: chr5-66026354-A-T. GRCh37 (hg19) VCF-style: chr5-65322182-A-T.
Other names: c.1073A>T, p.Glu358Val (NM_001006600.3, NM_001253698.2, NM_001253699.2 and 2 more transcripts); short protein forms E358V.
Identifiers: ClinVar variation 1919275 (VCV001919275.5), dbSNP rs373328577, ClinGen allele CA120406937.

ClinVar aggregate classification (germline): Uncertain significance (1 of 4 stars; one submission).

Allele frequency attached by ClinVar (database versions not stated): gnomAD 0.00001; gnomAD exomes 0.00001; TOPMed 0.00001; ESP Exome Variant Server 0.00008.
gnomAD v4.1: 12 of 1,601,522 alleles (0.00075%); highest among the groups gnomAD compares: Non-Finnish European, 0.001%; no homozygotes.

Submission:

Labcorp Genetics (formerly Invitae), Labcorp
Classification: Uncertain significance. Last evaluated: 2024-12-02. Review status: criteria provided, single submitter. Criteria: Invitae Variant Classification Sherloc (09022015). Collection method: clinical testing. Allele origin: germline.
Comment: This sequence change replaces glutamic acid, which is acidic and polar, with valine, which is neutral and non-polar, at codon 358 of the ERBIN protein (p.Glu358Val). This variant is not present in population databases (gnomAD no frequency). This variant has not been reported in the literature in individuals affected with ERBIN-related conditions. ClinVar contains an entry for this variant (Variation ID: 1919275). An algorithm developed to predict the effect of missense changes on protein structure and function (PolyPhen-2) suggests that this variant is likely to be disruptive. In summary, the available evidence is currently insufficient to determine the role of this variant in disease. Therefore, it has been classified as a Variant of Uncertain Significance.